The following is an entry in ClinVar:

ClinVar aggregate classification (germline): Uncertain significance (1 of 4 stars; one submission).

Conditions:
Brugada syndrome 8 (BRGDA8). Identifiers: Orphanet 130, MedGen C2751083, MONDO:0013148, OMIM 613123.

Submission:

Labcorp Genetics (formerly Invitae), Labcorp
Classification: Uncertain significance for Brugada syndrome 8. Last evaluated: 2025-08-03. Review status: criteria provided, single submitter. Criteria: Invitae Variant Classification Sherloc (09022015). Collection method: clinical testing. Allele origin: germline.
Comment: This sequence change replaces serine, which is neutral and polar, with asparagine, which is neutral and polar, at codon 1132 of the HCN4 protein (p.Ser1132Asn). Information on the frequency of this variant in the gnomAD database is not available, as this variant may be reported differently in the database. This variant has not been reported in the literature in individuals affected with HCN4-related conditions. An algorithm developed to predict the effect of missense changes on protein structure and function (PolyPhen-2) suggests that this variant is likely to be disruptive. In summary, the available evidence is currently insufficient to determine the role of this variant in disease. Therefore, it has been classified as a Variant of Uncertain Significance.

NM_005477.3(HCN4):c.3395_3396delinsAT (p.Ser1132Asn)

Gene: HCN4 (hyperpolarization activated cyclic nucleotide gated potassium channel 4; minus strand). Cytogenetic location: 15q24.1.
Variant type: Indel.
Coding change: c.3395_3396delinsAT on transcript NM_005477.3 (MANE Select); coding-DNA positions 3395 to 3396, GC replaced by AT.
Protein change: p.Ser1132Asn; replaces serine 1132 with asparagine.
Molecular consequence: missense variant.
Genome position (GRCh38, 1-based): chr15:73,322,697-73,322,698, GC replaced by AT on the plus strand (GC replaced by AT on the coding strand, the reverse complement: HCN4 is on the minus strand). VCF-style: chr15-73322697-GC-AT. GRCh37 (hg19) VCF-style: chr15-73615038-GC-AT.
Other names: short protein forms S1132N.
Identifiers: ClinVar variation 4720490 (VCV004720490.1).